The following is an entry in ClinVar:

ClinVar aggregate classification (germline): Uncertain significance (1 of 4 stars; one submission).

Conditions:
TET2-related disorder. Also called: TET2-related condition.

Submission:

PreventionGenetics, part of Exact Sciences
Classification: Uncertain significance for TET2-related condition. Last evaluated: 2026-01-27. Review status: criteria provided, single submitter. Criteria: ACMG Guidelines, 2015. Collection method: clinical testing. Allele origin: germline.
Comment: The TET2 c.4543_4544delTT variant is predicted to result in a frameshift and premature protein termination (p.Leu1515Alafs*62). To our knowledge, this variant has not been reported in the literature. This variant is reported in 0.0020% of alleles in individuals of European (Non-Finnish) descent in gnomAD. Loss of function variants have been reported in TET2; however, the vast majority have been reported upstream of exon 11 of this gene (Human Gene Mutation Database). Although we suspect that this variant may be pathogenic, at this time, the clinical significance of this variant is uncertain due to the absence of conclusive functional and genetic evidence.

NM_001127208.3(TET2):c.4543_4544del (p.Leu1515fs)

Genes: TET2 (tet methylcytosine dioxygenase 2; plus strand), TET2-AS1 (TET2 antisense RNA 1; minus strand). Cytogenetic location: 4q24.
Variant type: Deletion.
Coding change: c.4543_4544del on transcript NM_001127208.3 (MANE Select); coding-DNA positions 4543 to 4544, 2 bases deleted (TT; older notation c.4543_4544delTT).
Protein change: p.Leu1515fs; shifts the reading frame from leucine 1515.
Molecular consequence: frameshift variant.
Genome position (GRCh38, 1-based): chr4:105,275,053-105,275,054, TT deleted; deleting any 2 consecutive bases within chr4:105,275,051-105,275,054 gives the same sequence; the c. name uses the placement nearest the transcript's 3' end. VCF-style (leftmost placement, unchanged base first): chr4-105275050-CTT-C. GRCh37 (hg19) VCF-style: chr4-106196207-CTT-C.
Other names: short protein forms L1515fs.
Identifiers: ClinVar variation 2632755 (VCV002632755.2), dbSNP rs771168522, ClinGen allele CA3032209.